The following is an entry in ClinVar:

ClinVar aggregate classification (germline): Uncertain significance. Review status: criteria provided, multiple submitters, no conflicts (2 of 4 stars). 3 submissions from 3 submitters: Uncertain significance (3). Last evaluated 2024-04-29.

Conditions:
Hereditary cancer-predisposing syndrome. Also called: Neoplastic Syndromes, Hereditary; Hereditary Cancer Syndrome; Tumor predisposition; Hereditary neoplastic syndrome. Identifiers: Orphanet 140162, MedGen C0027672, MeSH D009386, MONDO:0015356.
Ataxia-telangiectasia syndrome (AT). Also called: LOUIS-BAR SYNDROME; Cerebello-oculocutaneous telangiectasia; Immunodeficiency with ataxia telangiectasia; Ataxia-telangiectasia, complementation group D; AT, COMPLEMENTATION GROUP C; Ataxia-telangiectasia, complementation group E. Identifiers: Orphanet 100, MedGen C0004135, MONDO:0008840, OMIM 208900.

Allele frequency attached by ClinVar (database versions not stated): TOPMed 0.00001.

Submissions (3):

Labcorp Genetics (formerly Invitae), Labcorp
Classification: Uncertain significance for Ataxia-telangiectasia syndrome. Last evaluated: 2024-04-29. Review status: criteria provided, single submitter. Criteria: Invitae Variant Classification Sherloc (09022015). Collection method: clinical testing. Allele origin: germline.
Comment: This sequence change replaces lysine, which is basic and polar, with arginine, which is basic and polar, at codon 2747 of the ATM protein (p.Lys2747Arg). This variant is not present in population databases (gnomAD no frequency). This variant has not been reported in the literature in individuals affected with ATM-related conditions. ClinVar contains an entry for this variant (Variation ID: 407637). An algorithm developed to predict the effect of missense changes on protein structure and function (PolyPhen-2) suggests that this variant is likely to be tolerated. In summary, the available evidence is currently insufficient to determine the role of this variant in disease. Therefore, it has been classified as a Variant of Uncertain Significance.

Color Diagnostics, LLC DBA Color Health
Classification: Uncertain significance for Hereditary cancer-predisposing syndrome. Last evaluated: 2024-03-06. Review status: criteria provided, single submitter. Criteria: ACMG Guidelines, 2015. Collection method: clinical testing. Allele origin: germline.
Comment: This missense variant replaces lysine with arginine at codon 2747 of the ATM protein. Computational prediction suggests that this variant may not impact protein structure and function (internally defined REVEL score threshold <= 0.5, PMID: 27666373). To our knowledge, functional studies have not been reported for this variant. This variant has not been reported in individuals affected with hereditary cancer in the literature. This variant has not been identified in the general population by the Genome Aggregation Database (gnomAD). The available evidence is insufficient to determine the role of this variant in disease conclusively. Therefore, this variant is classified as a Variant of Uncertain Significance.

Ambry Genetics
Classification: Uncertain significance for Hereditary cancer-predisposing syndrome. Last evaluated: 2023-06-27. Review status: criteria provided, single submitter. Criteria: Ambry Variant Classification Scheme 2023. Collection method: clinical testing. Allele origin: germline.
Comment: The p.K2747R variant (also known as c.8240A>G), located in coding exon 55 of the ATM gene, results from an A to G substitution at nucleotide position 8240. The lysine at codon 2747 is replaced by arginine, an amino acid with highly similar properties. This amino acid position is highly conserved in available vertebrate species. In addition, this alteration is predicted to be tolerated by in silico analysis. Since supporting evidence is limited at this time, the clinical significance of this alteration remains unclear.

NM_000051.4(ATM):c.8240A>G (p.Lys2747Arg)

Genes: ATM (ATM serine/threonine kinase; plus strand), C11orf65 (chromosome 11 open reading frame 65; minus strand). Cytogenetic location: 11q22.3.
Variant type: single nucleotide variant.
Coding change: c.8240A>G on transcript NM_000051.4 (MANE Select); coding-DNA position 8240, A replaced by G.
Protein change: p.Lys2747Arg; replaces lysine 2747 with arginine.
Molecular consequence: missense variant. On other transcripts: intron variant (2).
Genome position (GRCh38, 1-based): chr11:108,335,933, A>G. VCF-style: chr11-108335933-A-G. GRCh37 (hg19) VCF-style: chr11-108206660-A-G.
Other names: c.8240A>G, p.Lys2747Arg (NM_001351834.2); c.641-26862T>C (NM_001330368.2); c.695-641T>C (NM_001351110.2); short protein forms K2747R.
Identifiers: ClinVar variation 407637 (VCV000407637.15), dbSNP rs1038749014, ClinGen allele CA16613500.